The following is an entry in ClinVar:

NC_000007.13:g.(?_156583771)_(156589206_?)dup

Gene: LMBR1 (limb development membrane protein 1; minus strand). Cytogenetic location: 7q36.3.
Variant type: Duplication.
Identifiers: ClinVar variation 3245929 (VCV003245929.1).

ClinVar aggregate classification (germline): Likely pathogenic (1 of 4 stars; one submission).

Submission:

Labcorp Genetics (formerly Invitae), Labcorp
Classification: Likely pathogenic. Last evaluated: 2023-06-30. Review status: criteria provided, single submitter. Criteria: Invitae Variant Classification Sherloc (09022015). Collection method: clinical testing. Allele origin: unknown.
Comment: In summary, the currently available evidence indicates that the variant is pathogenic, but additional data are needed to prove that conclusively. Therefore, this variant has been classified as Likely Pathogenic. This variant has not been reported in the literature in individuals affected with LMBR1-related conditions. This variant results in a copy number gain of the genomic region encompassing exon(s) 5 of the LMBR1 gene. While the exact position of this variant cannot be determined from the data, sub-genic copy number gains are generally in tandem (PMID: 25640679). This variant is predicted to be out-of-frame, and may result in an absent or disrupted protein product. Loss-of-function variants in LMBR1 are known to be pathogenic (PMID: 11090342, 26749485).

Literature cited by the submitters: PubMed 25640679; PubMed 11090342; PubMed 26749485.